The following is an entry in ClinVar:

NM_000143.4(FH):c.1229C>A (p.Pro410Gln)

Gene: FH (fumarate hydratase; minus strand). Cytogenetic location: 1q43.
Variant type: single nucleotide variant.
Coding change: c.1229C>A on transcript NM_000143.4 (MANE Select); coding-DNA position 1229, C replaced by A.
Protein change: p.Pro410Gln; replaces proline 410 with glutamine.
Molecular consequence: missense variant.
Genome position (GRCh38, 1-based): chr1:241,502,450, G>T on the plus strand (C>A on the coding strand, the complement: FH is on the minus strand). VCF-style: chr1-241502450-G-T. GRCh37 (hg19) VCF-style: chr1-241665750-G-T.
Other names: short protein forms P410Q.
Identifiers: ClinVar variation 4745917 (VCV004745917.1).
Genomic context (GRCh38, chr1:241,502,450, plus strand): 5'-CAAGATAATAAGCCTTTGGTCAAAAAACATTAAAAATCAGATTTAAAGCTTACCATCATT[G>T]GCTTGAAAACATTCAACTCAAAATGTCCATTGCTGCCTCCGACAGTGACAGCAACATGGT-3'
Protein context (NP_000134.2, residues 400-420): NGHFELNVFK[Pro410Gln]MMIKNVLHSA

ClinVar aggregate classification (germline): Likely pathogenic (1 of 4 stars; one submission).

Submission:

Labcorp Genetics (formerly Invitae), Labcorp
Classification: Likely pathogenic. Last evaluated: 2025-09-10. Review status: criteria provided, single submitter. Criteria: Invitae Variant Classification Sherloc (09022015). Collection method: clinical testing. Allele origin: germline.
Comment: This sequence change replaces proline, which is neutral and non-polar, with glutamine, which is neutral and polar, at codon 410 of the FH protein (p.Pro410Gln). This variant is not present in population databases (gnomAD no frequency). This missense change has been observed in individual(s) with FH-related conditions (internal data). Invitae Evidence Modeling of protein sequence and biophysical properties (such as structural, functional, and spatial information, amino acid conservation, physicochemical variation, residue mobility, and thermodynamic stability) indicates that this missense variant is expected to disrupt FH protein function with a positive predictive value of 95%. This variant disrupts the p.Pro410 amino acid residue in FH. Other variant(s) that disrupt this residue have been observed in individuals with FH-related conditions (PMID: 32376712; internal data), which suggests that this may be a clinically significant amino acid residue. In summary, the currently available evidence indicates that the variant is pathogenic, but additional data are needed to prove that conclusively. Therefore, this variant has been classified as Likely Pathogenic.

Literature cited by the submitters: PubMed 32376712.